The following is an entry in ClinVar:

NM_006231.4(POLE):c.3758A>G (p.Glu1253Gly)

Gene: POLE (DNA polymerase epsilon, catalytic subunit; minus strand). Cytogenetic location: 12q24.33.
Variant type: single nucleotide variant.
Coding change: c.3758A>G on transcript NM_006231.4 (MANE Select); coding-DNA position 3758, A replaced by G.
Protein change: p.Glu1253Gly; replaces glutamic acid 1253 with glycine.
Molecular consequence: missense variant.
Genome position (GRCh38, 1-based): chr12:132,649,714, T>C on the plus strand (A>G on the coding strand, the complement: POLE is on the minus strand). VCF-style: chr12-132649714-T-C. GRCh37 (hg19) VCF-style: chr12-133226300-T-C.
Other names: c.3758A>G (NM_006231.2); short protein forms E1253G.
Identifiers: ClinVar variation 473620 (VCV000473620.12), dbSNP rs1483605737, ClinGen allele CA387386101.

ClinVar aggregate classification (germline): Uncertain significance. Review status: criteria provided, multiple submitters, no conflicts (2 of 4 stars). 3 submissions from 3 submitters: Uncertain significance (3). Last evaluated 2026-01-31.

Conditions:
Hereditary cancer-predisposing syndrome. Also called: Neoplastic Syndromes, Hereditary; Tumor predisposition; Hereditary Cancer Syndrome; Hereditary neoplastic syndrome. Identifiers: Orphanet 140162, MedGen C0027672, MeSH D009386, MONDO:0015356.

Allele frequency attached by ClinVar (database versions not stated): gnomAD exomes 0.00001 and 0.00002; TOPMed 0.00008; gnomAD 0.00009 and 0.00010.
gnomAD v4.1: 18 of 1,614,004 alleles (0.0011%); highest among the groups gnomAD compares: Admixed American, 0.028%; no homozygotes.

Submissions (3):

Labcorp Genetics (formerly Invitae), Labcorp
Classification: Uncertain significance. Last evaluated: 2026-01-31. Review status: criteria provided, single submitter. Criteria: Invitae Variant Classification Sherloc (09022015). Collection method: clinical testing. Allele origin: germline.
Comment: This sequence change replaces glutamic acid, which is acidic and polar, with glycine, which is neutral and non-polar, at codon 1253 of the POLE protein (p.Glu1253Gly). This variant is present in population databases (no rsID available, gnomAD 0.01%). This variant has not been reported in the literature in individuals affected with POLE-related conditions. ClinVar contains an entry for this variant (Variation ID: 473620). Invitae Evidence Modeling of protein sequence and biophysical properties (such as structural, functional, and spatial information, amino acid conservation, physicochemical variation, residue mobility, and thermodynamic stability) indicates that this missense variant is not expected to disrupt POLE protein function with a negative predictive value of 80%. In summary, the available evidence is currently insufficient to determine the role of this variant in disease. Therefore, it has been classified as a Variant of Uncertain Significance.

GeneDx
Classification: Uncertain significance. Last evaluated: 2024-11-13. Review status: criteria provided, single submitter. Criteria: GeneDx Variant Classification Process June 2021. Collection method: clinical testing. Allele origin: germline. Affected: yes.
Comment: Not observed at significant frequency in large population cohorts (gnomAD); In silico analysis supports that this missense variant has a deleterious effect on protein structure/function; Has not been previously published as pathogenic or benign to our knowledge

Ambry Genetics
Classification: Uncertain significance for Hereditary cancer-predisposing syndrome. Last evaluated: 2023-05-11. Review status: criteria provided, single submitter. Criteria: Ambry Variant Classification Scheme 2023. Collection method: clinical testing. Allele origin: germline.
Comment: The p.E1253G variant (also known as c.3758A>G), located in coding exon 30 of the POLE gene, results from an A to G substitution at nucleotide position 3758. The glutamic acid at codon 1253 is replaced by glycine, an amino acid with similar properties. This amino acid position is conserved. In addition, this alteration is predicted to be tolerated by in silico analysis. Since supporting evidence is limited at this time, the clinical significance of this alteration remains unclear.